The following is an entry in ClinVar:

ClinVar aggregate classification (germline): Likely pathogenic (1 of 4 stars; one submission).

gnomAD v4.1: 1 of 1,554,662 alleles (0.000064%); highest among the groups gnomAD compares: South Asian, 0.0012%; no homozygotes.

Submission:

GeneDx
Classification: Likely pathogenic. Last evaluated: 2024-08-15. Review status: criteria provided, single submitter. Criteria: GeneDx Variant Classification Process June 2021. Collection method: clinical testing. Allele origin: germline. Affected: yes.
Comment: Nonsense variant predicted to result in protein truncation or nonsense mediated decay in a gene for which loss of function is a known mechanism of disease; Has not been previously published as pathogenic or benign to our knowledge; Not observed at significant frequency in large population cohorts (gnomAD)

NM_020964.3(EPG5):c.2595G>A (p.Trp865Ter)

Gene: EPG5 (ectopic P-granules 5 autophagy tethering factor; minus strand). Cytogenetic location: 18q21.1.
Variant type: single nucleotide variant.
Coding change: c.2595G>A on transcript NM_020964.3 (MANE Select); coding-DNA position 2595, G replaced by A.
Protein change: p.Trp865Ter; replaces tryptophan 865 with a stop codon.
Molecular consequence: nonsense.
Genome position (GRCh38, 1-based): chr18:45,925,861, C>T on the plus strand (G>A on the coding strand, the complement: EPG5 is on the minus strand). VCF-style: chr18-45925861-C-T. GRCh37 (hg19) VCF-style: chr18-43505827-C-T.
Other names: c.2595G>A, p.Trp865Ter (NM_001410858.1, NM_001410859.1); short protein forms W865*.
Identifiers: ClinVar variation 3730880 (VCV003730880.1).
Genomic context (GRCh38, chr18:45,925,861, plus strand): 5'-TGTCAGGTTGTAATTCAATAACCAATCCCGAATCACCGCTATCTCAGATGCAGAAGGTTG[C>T]CAAAGATACAAAGGCAGTTCTTTAAACAAGTATAGAGAAACCTTATTAAAAAGAAAACAA-3'